The following is an entry in ClinVar:

NM_000719.7(CACNA1C):c.1066G>A (p.Val356Met)

Gene: CACNA1C (calcium voltage-gated channel subunit alpha1 C; plus strand). Cytogenetic location: 12p13.33.
Variant type: single nucleotide variant.
Coding change: c.1066G>A on transcript NM_000719.7 (MANE Select); coding-DNA position 1066, G replaced by A.
Protein change: p.Val356Met; replaces valine 356 with methionine.
Molecular consequence: missense variant.
Genome position (GRCh38, 1-based): chr12:2,493,339, G>A. VCF-style: chr12-2493339-G-A. GRCh37 (hg19) VCF-style: chr12-2602505-G-A.
Other names: c.1066G>A, p.Val356Met (NM_001129827.2, NM_001129829.2, NM_001129830.3 and 18 more transcripts); c.1057G>A, p.Val353Met (NM_001129844.2); short protein forms V353M, V356M.
Identifiers: ClinVar variation 4879438 (VCV004879438.1).
Genomic context (GRCh38, chr12:2,493,339, plus strand): 5'-TGGGATGGTCCCAAGCACGGCATCACCAACTTTGACAACTTTGCCTTCGCCATGCTCACG[G>A]TGTTCCAGTGCATCACCATGGAGGGCTGGACGGACGTGCTGTACTGGGTACGTAGCATGA-3'
Protein context (NP_000710.5, residues 346-366): FDNFAFAMLT[Val356Met]FQCITMEGWT

ClinVar aggregate classification (germline): Uncertain significance (1 of 4 stars; one submission).

Conditions:
Neurodevelopmental disorder with hypotonia, language delay, and skeletal defects with or without seizures (NEDHLSS). Identifiers: MedGen C5774213, MONDO:0859286, OMIM 620029.

Submission:

Institute of Human Genetics, University of Leipzig Medical Center
Classification: Uncertain significance for Neurodevelopmental disorder with hypotonia, language delay, and skeletal defects with or without seizures. Last evaluated: 2026-07-09. Review status: criteria provided, single submitter. Criteria: ACMG Guidelines, 2015. Collection method: clinical testing. Allele origin: unknown. Inheritance: Autosomal dominant inheritance. Affected: yes.
Comment: Criteria applied: PM2,PP2,PP3